The following is an entry in ClinVar:

ClinVar aggregate classification (germline): Conflicting classifications of pathogenicity. Review status: criteria provided, conflicting classifications (1 of 4 stars). 2 submissions from 2 submitters: Uncertain significance (1); Likely benign (1). Last evaluated 2026-01-31.

Conditions:
Colorectal cancer. Also called: Malignant Colorectal Neoplasm; Colorectal cancer, somatic. Identifiers: MedGen C0346629, MONDO:0005575, OMIM 114500.

Allele frequency attached by ClinVar (database versions not stated): gnomAD 0.00021; ExAC 0.00023; ESP Exome Variant Server 0.00023; TOPMed 0.00023; gnomAD exomes 0.00071.
gnomAD v4.1: 1,054 of 1,614,006 alleles (0.065%); highest among the groups gnomAD compares: Non-Finnish European, 0.087%; no homozygotes.

Submissions (2):

Labcorp Genetics (formerly Invitae), Labcorp
Classification: Uncertain significance. Last evaluated: 2026-01-31. Review status: criteria provided, single submitter. Criteria: Invitae Variant Classification Sherloc (09022015). Collection method: clinical testing. Allele origin: germline.
Comment: This sequence change replaces serine, which is neutral and polar, with tyrosine, which is neutral and polar, at codon 566 of the DLC1 protein (p.Ser566Tyr). This variant is present in population databases (rs149628772, gnomAD 0.06%), and has an allele count higher than expected for a pathogenic variant. This variant has not been reported in the literature in individuals affected with DLC1-related conditions. ClinVar contains an entry for this variant (Variation ID: 2721373). An algorithm developed to predict the effect of missense changes on protein structure and function (PolyPhen-2) suggests that this variant is likely to be disruptive. In summary, the available evidence is currently insufficient to determine the role of this variant in disease. Therefore, it has been classified as a Variant of Uncertain Significance.

Fulgent Genetics
Classification: Likely benign for Colorectal cancer. Last evaluated: 2024-05-09. Review status: criteria provided, single submitter. Criteria: ACMG Guidelines, 2015. Collection method: clinical testing. Allele origin: germline.

NM_182643.3(DLC1):c.1697C>A (p.Ser566Tyr)

Gene: DLC1 (DLC1 Rho GTPase activating protein; minus strand). Cytogenetic location: 8p22.
Variant type: single nucleotide variant.
Coding change: c.1697C>A on transcript NM_182643.3 (MANE Select); coding-DNA position 1697, C replaced by A.
Protein change: p.Ser566Tyr; replaces serine 566 with tyrosine.
Molecular consequence: missense variant.
Genome position (GRCh38, 1-based): chr8:13,100,640, G>T on the plus strand (C>A on the coding strand, the complement: DLC1 is on the minus strand). VCF-style: chr8-13100640-G-T. GRCh37 (hg19) VCF-style: chr8-12958149-G-T.
Other names: c.488C>A, p.Ser163Tyr (NM_001316668.2, NM_001413129.1); c.1697C>A, p.Ser566Tyr (NM_001348081.2, NM_001413124.1); c.164C>A, p.Ser55Tyr (NM_001348082.2, NM_001348083.1, NM_001348084.2 and 6 more transcripts); c.521C>A, p.Ser174Tyr (NM_001413140.1); c.386C>A, p.Ser129Tyr (NM_006094.5, NM_001413135.1, NM_001413136.1 and 1 more transcripts); c.479C>A, p.Ser160Tyr (NM_001413130.1); c.137C>A, p.Ser46Tyr (NM_001413131.1, NM_001413137.1); c.623C>A, p.Ser208Tyr (NM_001413132.1); short protein forms S129Y, S208Y, S55Y, S566Y, S160Y, S163Y, S46Y, S174Y.
Identifiers: ClinVar variation 2721373 (VCV002721373.4), dbSNP rs149628772, ClinGen allele CA4638846.